The following is an entry in ClinVar:

NM_001385012.1(NBEA):c.8716G>A (p.Val2906Ile)

Gene: NBEA (neurobeachin; plus strand). Cytogenetic location: 13q13.3.
Variant type: single nucleotide variant.
Coding change: c.8716G>A on transcript NM_001385012.1 (MANE Select); coding-DNA position 8716, G replaced by A.
Protein change: p.Val2906Ile; replaces valine 2906 with isoleucine.
Molecular consequence: missense variant.
Genome position (GRCh38, 1-based): chr13:35,668,422, G>A. VCF-style: chr13-35668422-G-A. GRCh37 (hg19) VCF-style: chr13-36242559-G-A.
Other names: c.2032G>A, p.Val678Ile (NM_001204197.3); c.8707G>A, p.Val2903Ile (NM_001379245.1); c.8653G>A, p.Val2885Ile (NM_015678.5); short protein forms V2885I, V2903I, V2906I, V678I.
Identifiers: ClinVar variation 4819097 (VCV004819097.1).

ClinVar aggregate classification (germline): Uncertain significance (1 of 4 stars; one submission).

Conditions:
Neurodevelopmental disorder with or without early-onset generalized epilepsy. Identifiers: MedGen C5436914, MONDO:0030930, OMIM 619157.

gnomAD v4.1: 1 of 1,613,204 alleles (0.000062%); highest among the groups gnomAD compares: South Asian, 0.0011%; no homozygotes.

Submission:

Ozbek Human Genetics Laboratory, Izmir Biomedicine and Genome Center
Classification: Uncertain significance for Neurodevelopmental disorder with or without early-onset generalized epilepsy. Last evaluated: 2024-11-28. Review status: criteria provided, single submitter. Criteria: ACMG Guidelines, 2015. Collection method: research. Allele origin: unknown. Affected: yes. Observed: 1 variant allele, 1 heterozygote.
Comment: This variant is reported very rarely in population databases (PM2). Based on this information, it is classified as a Variant of Uncertain Significance (VUS) according to ACMG criteria. In the literature, clinically affected cases associated with the NBEA gene have been described as occurring de novo.

Literature cited by the submitters: PubMed 35852783; PubMed 34412939; PubMed 34609286.